The following is an entry in ClinVar:

ClinVar aggregate classification (germline): Uncertain significance (1 of 4 stars; one submission).

Conditions:
Inborn genetic diseases. Identifiers: MedGen C0950123, MeSH D030342.

Submission:

Ambry Genetics
Classification: Uncertain significance for Inborn genetic diseases. Last evaluated: 2022-02-07. Review status: criteria provided, single submitter. Criteria: Ambry Variant Classification Scheme 2023. Collection method: clinical testing. Allele origin: germline.
Comment: The p.L929F variant (also known as c.2787G>C), located in coding exon 21 of the LRRK2 gene, results from a G to C substitution at nucleotide position 2787. The leucine at codon 929 is replaced by phenylalanine, an amino acid with highly similar properties. This amino acid position is conserved. In addition, this alteration is predicted to be tolerated by in silico analysis. Since supporting evidence is limited at this time, the clinical significance of this alteration remains unclear.

NM_198578.4(LRRK2):c.2787G>C (p.Leu929Phe)

Gene: LRRK2 (leucine rich repeat kinase 2; plus strand). Cytogenetic location: 12q12.
Variant type: single nucleotide variant.
Coding change: c.2787G>C on transcript NM_198578.4 (MANE Select); coding-DNA position 2787, G replaced by C.
Protein change: p.Leu929Phe; replaces leucine 929 with phenylalanine.
Molecular consequence: missense variant.
Genome position (GRCh38, 1-based): chr12:40,293,642, G>C. VCF-style: chr12-40293642-G-C. GRCh37 (hg19) VCF-style: chr12-40687444-G-C.
Other names: short protein forms L929F.
Identifiers: ClinVar variation 1795996 (VCV001795996.2), dbSNP rs72547970, ClinGen allele CA384411031.